The following is an entry in ClinVar:

NM_001126108.2(SLC12A3):c.*975A>G

Gene: SLC12A3 (solute carrier family 12 member 3; plus strand). Cytogenetic location: 16q13.
Variant type: single nucleotide variant.
Coding change: c.*975A>G on transcript NM_001126108.2 (MANE Select); 975 bases downstream of the stop codon, A replaced by G.
Molecular consequence: 3 prime UTR variant.
Genome position (GRCh38, 1-based): chr16:56,914,380, A>G. VCF-style: chr16-56914380-A-G. GRCh37 (hg19) VCF-style: chr16-56948292-A-G.
Other names: c.*975A>G (NM_000339.3, NM_001126107.2).
Identifiers: ClinVar variation 319944 (VCV000319944.6), dbSNP rs56079121, ClinGen allele CA10643917.
Genomic context (GRCh38, chr16:56,914,380, plus strand): 5'-CACAGTAAGAAATATACTTCACACTGAGACTTGCAGCGCACACACACGGAAACGACCAAA[A>G]CAAAAATGTCACAAAACAATACTTACCCTTCCCTGGGGGACGTCCTCCAGTATGTTCTGT-3'

ClinVar aggregate classification (germline): Benign. Review status: criteria provided, multiple submitters, no conflicts (2 of 4 stars). 2 submissions from 2 submitters: Benign (2). Last evaluated 2018-01-12.

Conditions:
Familial hypokalemia-hypomagnesemia (GTLMNS). Also called: gitelman syndrome; HYPOMAGNESEMIA-HYPOKALEMIA, PRIMARY RENOTUBULAR, WITH HYPOCALCIURIA; POTASSIUM AND MAGNESIUM DEPLETION. Identifiers: Orphanet 358, MedGen C0268450, MONDO:0009904, OMIM 263800.

Allele frequency attached by ClinVar (database versions not stated): TOPMed 0.11026; gnomAD 0.11158 and 0.11237; 1000 Genomes Project 0.11781; 1000 Genomes Project 30x 0.12039; gnomAD exomes 0.12500.
gnomAD v4.1: 17,052 of 152,266 alleles (11%); highest among the groups gnomAD compares: Admixed American, 13%; 990 homozygotes.

Submissions (2):

Illumina Laboratory Services, Illumina
Classification: Benign for Familial hypokalemia-hypomagnesemia. Last evaluated: 2018-01-12. Review status: criteria provided, single submitter. Criteria: ICSL Variant Classification Criteria 13 December 2019. Collection method: clinical testing. Allele origin: germline.
Comment: This variant was observed in the ICSL laboratory as part of a predisposition screen in an ostensibly healthy population. It had not been previously curated by ICSL or reported in the Human Gene Mutation Database (HGMD: prior to June 1st, 2018), and was therefore a candidate for classification through an automated scoring system. Utilizing variant allele frequency, disease prevalence and penetrance estimates, and inheritance mode, an automated score was calculated to assess if this variant is too frequent to cause the disease. Based on the score and internal cut-off values, a variant classified as benign is not then subjected to further curation. The score for this variant resulted in a classification of benign for this disease.

Breakthrough Genomics
Classification: Benign. Review status: criteria provided, single submitter. Criteria: ACMG Guidelines, 2015. Collection method: not provided. Allele origin: germline. Inheritance: Autosomal recessive inheritance. Affected: yes.